The following is an entry in ClinVar:

ClinVar aggregate classification (germline): Uncertain significance (1 of 4 stars; one submission).

Submission:

GeneDx
Classification: Uncertain significance. Last evaluated: 2023-12-14. Review status: criteria provided, single submitter. Criteria: GeneDx Variant Classification Process June 2021. Collection method: clinical testing. Allele origin: germline. Affected: yes.
Comment: Not observed at significant frequency in large population cohorts (gnomAD); In silico analysis supports that this missense variant has a deleterious effect on protein structure/function; Has not been previously published as pathogenic or benign to our knowledge

NM_016038.4(SBDS):c.166G>A (p.Val56Met)

Gene: SBDS (SBDS ribosome maturation factor; minus strand). Cytogenetic location: 7q11.21.
Variant type: single nucleotide variant.
Coding change: c.166G>A on transcript NM_016038.4 (MANE Select); coding-DNA position 166, G replaced by A.
Protein change: p.Val56Met; replaces valine 56 with methionine.
Molecular consequence: missense variant.
Genome position (GRCh38, 1-based): chr7:66,994,304, C>T on the plus strand (G>A on the coding strand, the complement: SBDS is on the minus strand). VCF-style: chr7-66994304-C-T. GRCh37 (hg19) VCF-style: chr7-66459291-C-T.
Other names: short protein forms V56M.
Identifiers: ClinVar variation 3342700 (VCV003342700.1).